The following is an entry in ClinVar:

ClinVar aggregate classification (germline): Uncertain significance (1 of 4 stars; one submission).

Conditions:
Neuronal ceroid lipofuscinosis. Also called: Neuronal Ceroid Lipofuscinoses. Identifiers: Orphanet 216, Orphanet 79263, MedGen C0027877, MONDO:0016295. Disease mechanism: loss of function.

Allele frequency attached by ClinVar (database versions not stated): gnomAD exomes below 0.00001; gnomAD 0.00001.
gnomAD v4.1: 14 of 1,614,004 alleles (0.00087%); highest among the groups gnomAD compares: Non-Finnish European, 0.0012%; no homozygotes.

Submission:

Labcorp Genetics (formerly Invitae), Labcorp
Classification: Uncertain significance for Neuronal ceroid lipofuscinosis. Last evaluated: 2021-02-02. Review status: criteria provided, single submitter. Criteria: Invitae Variant Classification Sherloc (09022015). Collection method: clinical testing. Allele origin: germline.
Comment: In summary, the available evidence is currently insufficient to determine the role of this variant in disease. Therefore, it has been classified as a Variant of Uncertain Significance. Algorithms developed to predict the effect of missense changes on protein structure and function are either unavailable or do not agree on the potential impact of this missense change (SIFT: "Deleterious"; PolyPhen-2: "Probably Damaging"; Align-GVGD: "Class C0"). This variant has not been reported in the literature in individuals with CTSD-related conditions. This variant is not present in population databases (ExAC no frequency). This sequence change replaces lysine with methionine at codon 127 of the CTSD protein (p.Lys127Met). The lysine residue is moderately conserved and there is a moderate physicochemical difference between lysine and methionine.

NM_001909.5(CTSD):c.380A>T (p.Lys127Met)

Gene: CTSD (cathepsin D; minus strand). Cytogenetic location: 11p15.5.
Variant type: single nucleotide variant.
Coding change: c.380A>T on transcript NM_001909.5 (MANE Select); coding-DNA position 380, A replaced by T.
Protein change: p.Lys127Met; replaces lysine 127 with methionine.
Molecular consequence: missense variant.
Genome position (GRCh38, 1-based): chr11:1,759,060, T>A on the plus strand (A>T on the coding strand, the complement: CTSD is on the minus strand). VCF-style: chr11-1759060-T-A. GRCh37 (hg19) VCF-style: chr11-1780290-T-A.
Other names: short protein forms K127M.
Identifiers: ClinVar variation 1493618 (VCV001493618.8), dbSNP rs1438409242, ClinGen allele CA379097619.